The following is an entry in ClinVar:

ClinVar aggregate classification (germline): Uncertain significance (1 of 4 stars; one submission).

Submission:

Labcorp Genetics (formerly Invitae), Labcorp
Classification: Uncertain significance. Last evaluated: 2024-10-25. Review status: criteria provided, single submitter. Criteria: Invitae Variant Classification Sherloc (09022015). Collection method: clinical testing. Allele origin: germline.
Comment: This sequence change replaces glycine with arginine at codon 89 of the DSPP protein (p.Gly89Arg). The glycine residue is highly conserved and there is a moderate physicochemical difference between glycine and arginine. Information on the frequency of this variant in the gnomAD database is not available, as this variant may be reported differently in the database. This variant has not been reported in the literature in individuals affected with DSPP-related conditions. ClinVar contains an entry for this variant (Variation ID: 1474409). Experimental studies and prediction algorithms are not available or were not evaluated, and the functional significance of this variant is currently unknown. In summary, the available evidence is currently insufficient to determine the role of this variant in disease. Therefore, it has been classified as a Variant of Uncertain Significance.

NM_014208.3(DSPP):c.264_265delinsTC (p.Gly89Arg)

Genes: DMP1-AS1 (DMP1 and DSPP antisense RNA 1; minus strand), DSPP (dentin sialophosphoprotein; plus strand). Cytogenetic location: 4q22.1.
Variant type: Indel.
Coding change: c.264_265delinsTC on transcript NM_014208.3 (MANE Select); coding-DNA positions 264 to 265, AG replaced by TC.
Protein change: p.Gly89Arg; replaces glycine 89 with arginine.
Molecular consequence: missense variant.
Genome position (GRCh38, 1-based): chr4:87,612,450-87,612,451, AG replaced by TC. VCF-style: chr4-87612450-AG-TC. GRCh37 (hg19) VCF-style: chr4-88533602-AG-TC.
Other names: short protein forms G89R.
Identifiers: ClinVar variation 1474409 (VCV001474409.6), dbSNP rs2109995507, ClinGen allele CA2573138372.